The following is an entry in ClinVar:

NM_001134831.2(AHI1):c.3485+6C>T

Gene: AHI1 (Abelson helper integration site 1; minus strand). Cytogenetic location: 6q23.3.
Variant type: single nucleotide variant.
Coding change: c.3485+6C>T on transcript NM_001134831.2 (MANE Select); 6 bases into the intron after coding-DNA position 3485, C replaced by T.
Molecular consequence: intron variant.
Genome position (GRCh38, 1-based): chr6:135,300,494, G>A on the plus strand (C>T on the coding strand, the complement: AHI1 is on the minus strand). VCF-style: chr6-135300494-G-A. GRCh37 (hg19) VCF-style: chr6-135621632-G-A.
Other names: c.3485+6C>T (NM_001134830.2, NM_001350503.2, NM_017651.5 and 1 more transcripts).
Identifiers: ClinVar variation 1517328 (VCV001517328.5), dbSNP rs748866983, ClinGen allele CA4011991.

ClinVar aggregate classification (germline): Conflicting classifications of pathogenicity. Review status: criteria provided, conflicting classifications (1 of 4 stars). 3 submissions from 3 submitters: Uncertain significance (2); Likely benign (1). Last evaluated 2025-03-19.

Conditions:
AHI1-related disorder. Also called: AHI1-related condition.
Joubert syndrome. Also called: Familial aplasia of the vermis; JOUBERT-BOLTSHAUSER SYNDROME. Identifiers: Orphanet 475, MedGen C5979921, MONDO:0018772.
Joubert syndrome 3 (JBTS3). Also called: AHI1-related Ciliopathy. Identifiers: Orphanet 220493, MedGen C1837713, MONDO:0012078, OMIM 608629.

Allele frequency attached by ClinVar (database versions not stated): gnomAD exomes 0.00001; TOPMed 0.00002.
gnomAD v4.1: 7 of 1,601,348 alleles (0.00044%); highest among the groups gnomAD compares: Admixed American, 0.0085%; no homozygotes.

Submissions (3):

PreventionGenetics, part of Exact Sciences
Classification: Likely benign for AHI1-related condition. Last evaluated: 2025-03-19. Review status: criteria provided, single submitter. Criteria: ACMG Guidelines, 2015. Collection method: clinical testing. Allele origin: germline.
Comment: This variant is classified as likely benign based on ACMG/AMP sequence variant interpretation guidelines (Richards et al. 2015 PMID: 25741868, with internal and published modifications).

Labcorp Genetics (formerly Invitae), Labcorp
Classification: Uncertain significance for Joubert syndrome. Last evaluated: 2022-10-04. Review status: criteria provided, single submitter. Criteria: Invitae Variant Classification Sherloc (09022015). Collection method: clinical testing. Allele origin: germline.
Comment: This sequence change falls in intron 26 of the AHI1 gene. It does not directly change the encoded amino acid sequence of the AHI1 protein. It affects a nucleotide within the consensus splice site. The frequency data for this variant in the population databases is considered unreliable, as metrics indicate poor data quality at this position in the gnomAD database. This variant has not been reported in the literature in individuals affected with AHI1-related conditions. ClinVar contains an entry for this variant (Variation ID: 1517328). Variants that disrupt the consensus splice site are a relatively common cause of aberrant splicing (PMID: 17576681, 9536098). Algorithms developed to predict the effect of sequence changes on RNA splicing suggest that this variant is not likely to affect RNA splicing. In summary, the available evidence is currently insufficient to determine the role of this variant in disease. Therefore, it has been classified as a Variant of Uncertain Significance.

Fulgent Genetics
Classification: Uncertain significance for Joubert syndrome 3. Last evaluated: 2022-02-14. Review status: criteria provided, single submitter. Criteria: ACMG Guidelines, 2015. Collection method: clinical testing. Allele origin: unknown.

Literature cited by the submitters: PubMed 17576681 (cited by Labcorp Genetics (formerly Invitae), Labcorp); PubMed 9536098 (cited by Labcorp Genetics (formerly Invitae), Labcorp).